The following is an entry in ClinVar:

NM_199420.4(POLQ):c.5137A>C (p.Asn1713His)

Gene: POLQ (DNA polymerase theta; minus strand). Cytogenetic location: 3q13.33.
Variant type: single nucleotide variant.
Coding change: c.5137A>C on transcript NM_199420.4 (MANE Select); coding-DNA position 5137, A replaced by C.
Protein change: p.Asn1713His; replaces asparagine 1713 with histidine.
Molecular consequence: missense variant.
Genome position (GRCh38, 1-based): chr3:121,487,794, T>G on the plus strand (A>C on the coding strand, the complement: POLQ is on the minus strand). VCF-style: chr3-121487794-T-G. GRCh37 (hg19) VCF-style: chr3-121206641-T-G.
Other names: short protein forms N1713H.
Identifiers: ClinVar variation 1745576 (VCV001745576.2), dbSNP rs1406921747, ClinGen allele CA354091799.
Genomic context (GRCh38, chr3:121,487,794, plus strand): 5'-CATTATCATCAACTATATTACTTTCTTTACGAGGTAAGAGGGATGAGGTTTCATCATGAT[T>G]GGCATTGTTTTCTAGCATCTCAATCTTGCTTTTTACTTCATTATTAGAAGAAAATGAAAT-3'
Protein context (NP_955452.3, residues 1703-1723): SKIEMLENNA[Asn1713His]HDETSSLLPR

ClinVar aggregate classification (germline): Uncertain significance (1 of 4 stars; one submission).

Allele frequency attached by ClinVar (database versions not stated): gnomAD exomes below 0.00001.
gnomAD v4.1: 3 of 1,610,226 alleles (0.00019%); highest among the groups gnomAD compares: South Asian, 0.0022%; no homozygotes.

Submission:

Ambry Genetics
Classification: Uncertain significance. Last evaluated: 2021-12-10. Review status: criteria provided, single submitter. Criteria: Ambry Variant Classification Scheme 2023. Collection method: clinical testing. Allele origin: germline.
Comment: The p.N1713H variant (also known as c.5137A>C), located in coding exon 16 of the POLQ gene, results from an A to C substitution at nucleotide position 5137. The asparagine at codon 1713 is replaced by histidine, an amino acid with similar properties. This amino acid position is conserved. In addition, this alteration is predicted to be tolerated by in silico analysis. Since supporting evidence is limited at this time, the clinical significance of this alteration remains unclear.